The following is an entry in ClinVar:

NM_000218.3(KCNQ1):c.1514+36728_1514+36729del

Genes: KCNQ1 (potassium voltage-gated channel subfamily Q member 1; plus strand), KCNQ1OT1 (KCNQ1 opposite strand/antisense transcript 1; minus strand). Cytogenetic location: 11p15.5.
Variant type: Microsatellite.
Coding change: c.1514+36728_1514+36729del on transcript NM_000218.3 (MANE Select); bases 36728 to 36729 of the intron after coding-DNA position 1514, 2 bases deleted (CT; older notation c.1514+36728_1514+36729delCT).
Molecular consequence: intron variant. On other transcripts: non-coding transcript variant (1).
Genome position (GRCh38, 1-based): chr11:2,698,809-2,698,810, CT deleted; deleting any 2 consecutive bases within chr11:2,698,807-2,698,810 gives the same sequence; the c. name uses the placement nearest the transcript's 3' end. VCF-style (leftmost placement, unchanged base first): chr11-2698806-CCT-C. GRCh37 (hg19) VCF-style: chr11-2720036-CCT-C.
Other names: c.1244+36728_1244+36729del (NM_001406837.1); c.1418+36728_1418+36729del (NM_001406836.1); c.974+36728_974+36729del (NM_001406838.1); c.1133+36728_1133+36729del (NM_181798.2).
Identifiers: ClinVar variation 2641499 (VCV002641499.24), dbSNP rs563497035, ClinGen allele CA216197747.

ClinVar aggregate classification (germline): Benign (1 of 4 stars; one submission).

Submission:

CeGaT Center for Human Genetics Tuebingen
Classification: Benign. Last evaluated: 2025-10-01. Review status: criteria provided, single submitter. Criteria: CeGaT Center For Human Genetics Tuebingen Variant Classification Criteria Version 2. Collection method: clinical testing. Allele origin: germline. Affected: yes. Observed: 7 variant alleles.
Comment: KCNQ1OT1: BS1, BS2